The following is an entry in ClinVar:

NM_001042517.2(DIAPH3):c.1499C>T (p.Ala500Val)

Gene: DIAPH3 (diaphanous related formin 3; minus strand). Cytogenetic location: 13q21.2.
Variant type: single nucleotide variant.
Coding change: c.1499C>T on transcript NM_001042517.2 (MANE Select); coding-DNA position 1499, C replaced by T.
Protein change: p.Ala500Val; replaces alanine 500 with valine.
Molecular consequence: missense variant.
Genome position (GRCh38, 1-based): chr13:59,980,841, G>A on the plus strand (C>T on the coding strand, the complement: DIAPH3 is on the minus strand). VCF-style: chr13-59980841-G-A. GRCh37 (hg19) VCF-style: chr13-60554975-G-A.
Other names: c.1466C>T, p.Ala489Val (NM_001258366.2); c.1361C>T, p.Ala454Val (NM_001258367.2); c.1289C>T, p.Ala430Val (NM_001258368.2); c.1499C>T, p.Ala500Val (NM_001258369.2); c.710C>T, p.Ala237Val (NM_001258370.2, NM_030932.4); c.1499C>T (NM_001042517.1); short protein forms A430V, A237V, A454V, A489V, A500V.
Identifiers: ClinVar variation 1506105 (VCV001506105.10), dbSNP rs375508200, ClinGen allele CA6996662.

ClinVar aggregate classification (germline): Uncertain significance. Review status: criteria provided, multiple submitters, no conflicts (2 of 4 stars). 2 submissions from 2 submitters: Uncertain significance (2). Last evaluated 2025-10-14.

Allele frequency attached by ClinVar (database versions not stated): gnomAD exomes 0.00003 and 0.00001; ExAC 0.00004; gnomAD 0.00015 and 0.00016; 1000 Genomes Project 30x 0.00016; TOPMed 0.00019; 1000 Genomes Project 0.00020; ESP Exome Variant Server 0.00026.
gnomAD v4.1: 38 of 1,609,140 alleles (0.0024%); highest among the groups gnomAD compares: African/African-American, 0.047%; no homozygotes.

Submissions (2):

Ambry Genetics
Classification: Uncertain significance. Last evaluated: 2025-10-14. Review status: criteria provided, single submitter. Criteria: Ambry Variant Classification Scheme 2023. Collection method: clinical testing. Allele origin: germline.

Labcorp Genetics (formerly Invitae), Labcorp
Classification: Uncertain significance. Last evaluated: 2024-10-14. Review status: criteria provided, single submitter. Criteria: Invitae Variant Classification Sherloc (09022015). Collection method: clinical testing. Allele origin: germline.
Comment: This sequence change replaces alanine, which is neutral and non-polar, with valine, which is neutral and non-polar, at codon 500 of the DIAPH3 protein (p.Ala500Val). This variant is present in population databases (rs375508200, gnomAD 0.05%). This variant has not been reported in the literature in individuals affected with DIAPH3-related conditions. ClinVar contains an entry for this variant (Variation ID: 1506105). An algorithm developed to predict the effect of missense changes on protein structure and function outputs the following: PolyPhen-2: "Benign". The valine amino acid residue is found in multiple mammalian species, which suggests that this missense change does not adversely affect protein function. In summary, the available evidence is currently insufficient to determine the role of this variant in disease. Therefore, it has been classified as a Variant of Uncertain Significance.